The following is an entry in ClinVar:

NM_000228.3(LAMB3):c.3404G>A (p.Arg1135Gln)

Gene: LAMB3 (laminin subunit beta 3; minus strand). Cytogenetic location: 1q32.2.
Variant type: single nucleotide variant.
Coding change: c.3404G>A on transcript NM_000228.3 (MANE Select); coding-DNA position 3404, G replaced by A.
Protein change: p.Arg1135Gln; replaces arginine 1135 with glutamine.
Molecular consequence: missense variant.
Genome position (GRCh38, 1-based): chr1:209,615,386, C>T on the plus strand (G>A on the coding strand, the complement: LAMB3 is on the minus strand). VCF-style: chr1-209615386-C-T. GRCh37 (hg19) VCF-style: chr1-209788731-C-T.
Other names: c.3404G>A, p.Arg1135Gln (NM_001017402.2, NM_001127641.1); short protein forms R1135Q.
Identifiers: ClinVar variation 295062 (VCV000295062.9), dbSNP rs115712132, ClinGen allele CA1374868.

ClinVar aggregate classification (germline): Uncertain significance. Review status: criteria provided, multiple submitters, no conflicts (2 of 4 stars). 4 submissions from 4 submitters: Uncertain significance (3). 1 of the submissions does not count toward it. Last evaluated 2024-04-29.

Conditions:
Inborn genetic diseases. Identifiers: MedGen C0950123, MeSH D030342.
LAMB3-related disorder. Also called: LAMB3-related condition.
Junctional epidermolysis bullosa. Identifiers: Orphanet 305, MedGen C0079301, MONDO:0017612.

Allele frequency attached by ClinVar (database versions not stated): TOPMed 0.00013; gnomAD 0.00025; gnomAD exomes 0.00033; 1000 Genomes Project 0.00020; 1000 Genomes Project 30x 0.00016; ESP Exome Variant Server 0.00031; ExAC 0.00027.

Submissions (4):

Labcorp Genetics (formerly Invitae), Labcorp
Classification: Uncertain significance. Last evaluated: 2024-04-29. Review status: criteria provided, single submitter. Criteria: Invitae Variant Classification Sherloc (09022015). Collection method: clinical testing. Allele origin: germline.
Comment: This sequence change replaces arginine, which is basic and polar, with glutamine, which is neutral and polar, at codon 1135 of the LAMB3 protein (p.Arg1135Gln). This variant is present in population databases (rs115712132, gnomAD 0.2%). This variant has not been reported in the literature in individuals affected with LAMB3-related conditions. ClinVar contains an entry for this variant (Variation ID: 295062). Advanced modeling of protein sequence and biophysical properties (such as structural, functional, and spatial information, amino acid conservation, physicochemical variation, residue mobility, and thermodynamic stability) performed at Invitae indicates that this missense variant is not expected to disrupt LAMB3 protein function with a negative predictive value of 80%. In summary, the available evidence is currently insufficient to determine the role of this variant in disease. Therefore, it has been classified as a Variant of Uncertain Significance.

Ambry Genetics
Classification: Uncertain significance for Inborn genetic diseases. Last evaluated: 2022-12-27. Review status: criteria provided, single submitter. Criteria: Ambry Variant Classification Scheme 2023. Collection method: clinical testing. Allele origin: germline.

Illumina Laboratory Services, Illumina
Classification: Uncertain significance for Junctional epidermolysis bullosa. Last evaluated: 2018-01-13. Review status: criteria provided, single submitter. Criteria: ICSL Variant Classification Criteria 13 December 2019. Collection method: clinical testing. Allele origin: germline.

PreventionGenetics, part of Exact Sciences
Classification: Likely benign for LAMB3-related condition. Last evaluated: 2024-09-23. Review status: no assertion criteria provided. Collection method: clinical testing. Allele origin: germline. Not counted in ClinVar's aggregate classification.
Comment: This variant is classified as likely benign based on ACMG/AMP sequence variant interpretation guidelines (Richards et al. 2015 PMID: 25741868, with internal and published modifications).